The following is an entry in ClinVar:

NM_000092.5(COL4A4):c.3262G>T (p.Gly1088Cys)

Gene: COL4A4 (collagen type IV alpha 4 chain; minus strand). Cytogenetic location: 2q36.3.
Variant type: single nucleotide variant.
Coding change: c.3262G>T on transcript NM_000092.5 (MANE Select); coding-DNA position 3262, G replaced by T.
Protein change: p.Gly1088Cys; replaces glycine 1088 with cysteine.
Molecular consequence: missense variant.
Genome position (GRCh38, 1-based): chr2:227,047,502, C>A on the plus strand (G>T on the coding strand, the complement: COL4A4 is on the minus strand). VCF-style: chr2-227047502-C-A. GRCh37 (hg19) VCF-style: chr2-227912218-C-A.
Other names: short protein forms G1088C.
Identifiers: ClinVar variation 2633936 (VCV002633936.1), dbSNP rs2473864723, ClinGen allele CA350838672.

ClinVar aggregate classification (germline): Likely pathogenic (1 of 4 stars; one submission).

Conditions:
COL4A4-related disorder.

Submission:

PreventionGenetics, part of Exact Sciences
Classification: Likely pathogenic for COL4A4-related condition. Last evaluated: 2023-10-04. Review status: criteria provided, single submitter. Criteria: ACMG Guidelines, 2015. Collection method: clinical testing. Allele origin: germline.
Comment: The COL4A4 c.3262G>T variant is predicted to result in the amino acid substitution p.Gly1088Cys. The Gly1088Cys variant affects a Gly residue of the conserved triple helical domain (residues 65 – 1459) of the COL4A4 protein. The majority of pathogenic variants in COL4A4 substitute a glycine residue to a bulkier amino acid in the triple-helical domain (Hudson et al. 1993. PubMed ID: 8253711). A different substitution at this position (p.Gly1088Arg) with a second COL4A4 variant has been reported in a patient with features of COL4A4-related disorders (Horinouchi et al 2020. PubMed ID: 35369551). To our knowledge, this variant has not been reported in the literature or in a large population database, indicating this variant is rare. This variant is interpreted as likely pathogenic.